The following is an entry in ClinVar:

ClinVar aggregate classification (germline): Uncertain significance (1 of 4 stars; one submission).

Conditions:
Neuropathy, hereditary sensory and autonomic, type 2A (HSAN2A). Also called: HSAN IIA; WNK1-Related HSAN2 (HSAN2A); ACROOSTEOLYSIS, GIACCAI TYPE; ACROOSTEOLYSIS, NEUROGENIC; MORVAN DISEASE; NEUROPATHY, CONGENITAL SENSORY. Identifiers: Orphanet 970, MedGen C2752089, MONDO:0024309, OMIM 201300.
Pseudohypoaldosteronism type 2C (PHA2C). Also called: Pseudohypoaldosteronism Type IIC. Identifiers: Orphanet 757, Orphanet 88940, MedGen C1840391, MONDO:0013778, OMIM 614492.

Allele frequency attached by ClinVar (database versions not stated): ExAC 0.00001; gnomAD 0.00001; gnomAD exomes 0.00002.
gnomAD v4.1: 21 of 1,614,080 alleles (0.0013%); highest among the groups gnomAD compares: Non-Finnish European, 0.0018%; no homozygotes.

Submission:

Labcorp Genetics (formerly Invitae), Labcorp
Classification: Uncertain significance for Neuropathy, hereditary sensory and autonomic, type 2A; Pseudohypoaldosteronism type 2C. Last evaluated: 2023-10-10. Review status: criteria provided, single submitter. Criteria: Invitae Variant Classification Sherloc (09022015). Collection method: clinical testing. Allele origin: germline.
Comment: This sequence change replaces serine, which is neutral and polar, with glycine, which is neutral and non-polar, at codon 2443 of the WNK1 protein (p.Ser2443Gly). This variant is present in population databases (rs780858940, gnomAD 0.002%). This variant has not been reported in the literature in individuals affected with WNK1-related conditions. ClinVar contains an entry for this variant (Variation ID: 1954196). Advanced modeling of protein sequence and biophysical properties (such as structural, functional, and spatial information, amino acid conservation, physicochemical variation, residue mobility, and thermodynamic stability) performed at Invitae indicates that this missense variant is not expected to disrupt WNK1 protein function. In summary, the available evidence is currently insufficient to determine the role of this variant in disease. Therefore, it has been classified as a Variant of Uncertain Significance.

NM_018979.4(WNK1):c.6571A>G (p.Ser2191Gly)

Gene: WNK1 (WNK lysine deficient protein kinase 1; plus strand). Cytogenetic location: 12p13.33.
Variant type: single nucleotide variant.
Coding change: c.6571A>G on transcript NM_018979.4 (MANE Select); coding-DNA position 6571, A replaced by G.
Protein change: p.Ser2191Gly; replaces serine 2191 with glycine.
Molecular consequence: missense variant.
Genome position (GRCh38, 1-based): chr12:900,598, A>G. VCF-style: chr12-900598-A-G. GRCh37 (hg19) VCF-style: chr12-1009764-A-G.
Other names: c.7351A>G, p.Ser2451Gly (NM_001184985.2); c.5827A>G, p.Ser1943Gly (NM_014823.3); c.7327A>G, p.Ser2443Gly (NM_213655.5); short protein forms S2443G, S1943G, S2191G, S2451G.
Identifiers: ClinVar variation 1954196 (VCV001954196.5), dbSNP rs780858940, ClinGen allele CA6383432.